The following is an entry in ClinVar:

NM_021922.3(FANCE):c.136G>T (p.Val46Leu)

Genes: FANCE (FA complementation group E; plus strand), LOC129996245 (ATAC-STARR-seq lymphoblastoid silent region 17092; plus strand). Cytogenetic location: 6p21.31.
Variant type: single nucleotide variant.
Coding change: c.136G>T on transcript NM_021922.3 (MANE Select); coding-DNA position 136, G replaced by T.
Protein change: p.Val46Leu; replaces valine 46 with leucine.
Molecular consequence: missense variant.
Genome position (GRCh38, 1-based): chr6:35,452,681, G>T. VCF-style: chr6-35452681-G-T. GRCh37 (hg19) VCF-style: chr6-35420458-G-T.
Other names: short protein forms V46L.
Identifiers: ClinVar variation 1401850 (VCV001401850.5), dbSNP rs1366722396, ClinGen allele CA363770337.
Genomic context (GRCh38, chr6:35,452,681, plus strand): 5'-GCCCGCCTCCTGCTGCAGGCGCTGCAGGCGGGGCCTGAGGGGGCGCGGCGCGGCCTGGGG[G>T]TGCTCCGGGCGCTGGGCAGCCGCGGCTGGGAGCCCTTCGACTGGGGTCGCTTGCTCGAGG-3'
Protein context (NP_068741.1, residues 36-56): GPEGARRGLG[Val46Leu]LRALGSRGWE

ClinVar aggregate classification (germline): Uncertain significance (1 of 4 stars; one submission).

Conditions:
Fanconi anemia complementation group E (FANCE). Also called: FANCE-Related Fanconi Anemia. Identifiers: Orphanet 84, MedGen C3160739, MONDO:0010953, OMIM 600901.

Allele frequency attached by ClinVar (database versions not stated): gnomAD 0.00001; TOPMed 0.00002.
gnomAD v4.1: 1 of 1,240,932 alleles (0.000081%); highest among the groups gnomAD compares: African/African-American, 0.0016%; no homozygotes.

Submission:

Labcorp Genetics (formerly Invitae), Labcorp
Classification: Uncertain significance for Fanconi anemia complementation group E. Last evaluated: 2021-09-01. Review status: criteria provided, single submitter. Criteria: Invitae Variant Classification Sherloc (09022015). Collection method: clinical testing. Allele origin: germline.
Comment: This sequence change replaces valine with leucine at codon 46 of the FANCE protein (p.Val46Leu). The valine residue is weakly conserved and there is a small physicochemical difference between valine and leucine. The frequency data for this variant in the population databases is considered unreliable, as metrics indicate insufficient coverage at this position in the ExAC database. This variant has not been reported in the literature in individuals affected with FANCE-related conditions. Algorithms developed to predict the effect of missense changes on protein structure and function output the following: SIFT: "Tolerated"; PolyPhen-2: "Benign"; Align-GVGD: "Class C0". The leucine amino acid residue is found in multiple mammalian species, which suggests that this missense change does not adversely affect protein function. In summary, the available evidence is currently insufficient to determine the role of this variant in disease. Therefore, it has been classified as a Variant of Uncertain Significance.